The following is an entry in ClinVar:

ClinVar aggregate classification (germline): Uncertain significance (1 of 4 stars; one submission).

Conditions:
Hereditary cancer-predisposing syndrome. Also called: Neoplastic Syndromes, Hereditary; Tumor predisposition; Hereditary Cancer Syndrome; Hereditary neoplastic syndrome. Identifiers: Orphanet 140162, MedGen C0027672, MeSH D009386, MONDO:0015356.

Submission:

Ambry Genetics
Classification: Uncertain significance for Hereditary cancer-predisposing syndrome. Last evaluated: 2026-05-14. Review status: criteria provided, single submitter. Criteria: Ambry Variant Classification Scheme 2023. Collection method: clinical testing. Allele origin: germline.
Comment: The p.P269L variant (also known as c.806C>T), located in coding exon 6 of the POLD1 gene, results from a C to T substitution at nucleotide position 806. The proline at codon 269 is replaced by leucine, an amino acid with similar properties. This amino acid position is conserved. In addition, the in silico prediction for this alteration is inconclusive. Based on the available evidence, the clinical significance of this variant remains unclear.

NM_002691.4(POLD1):c.806C>T (p.Pro269Leu)

Gene: POLD1 (DNA polymerase delta 1, catalytic subunit; plus strand). Cytogenetic location: 19q13.33.
Variant type: single nucleotide variant.
Coding change: c.806C>T on transcript NM_002691.4 (MANE Select); coding-DNA position 806, C replaced by T.
Protein change: p.Pro269Leu; replaces proline 269 with leucine.
Molecular consequence: missense variant. On other transcripts: non-coding transcript variant (1).
Genome position (GRCh38, 1-based): chr19:50,402,501, C>T. VCF-style: chr19-50402501-C-T. GRCh37 (hg19) VCF-style: chr19-50905758-C-T.
Other names: c.806C>T, p.Pro269Leu (NM_001256849.1, NM_001308632.1, NM_001438210.1 and 3 more transcripts); short protein forms P269L.
Identifiers: ClinVar variation 4862199 (VCV004862199.1).